The following is an entry in ClinVar:

NM_015450.3(POT1):c.1235A>C (p.Lys412Thr)

Gene: POT1 (protection of telomeres 1; minus strand). Cytogenetic location: 7q31.33.
Variant type: single nucleotide variant.
Coding change: c.1235A>C on transcript NM_015450.3 (MANE Select); coding-DNA position 1235, A replaced by C.
Protein change: p.Lys412Thr; replaces lysine 412 with threonine.
Molecular consequence: missense variant. On other transcripts: non-coding transcript variant (3).
Genome position (GRCh38, 1-based): chr7:124,841,107, T>G on the plus strand (A>C on the coding strand, the complement: POT1 is on the minus strand). VCF-style: chr7-124841107-T-G. GRCh37 (hg19) VCF-style: chr7-124481161-T-G.
Other names: c.1235A>C (NM_015450.2); c.842A>C, p.Lys281Thr (NM_001042594.2); short protein forms K412T, K281T.
Identifiers: ClinVar variation 1390314 (VCV001390314.7), dbSNP rs1432715110, ClinGen allele CA369067496.

ClinVar aggregate classification (germline): Uncertain significance. Review status: criteria provided, multiple submitters, no conflicts (2 of 4 stars). 2 submissions from 2 submitters: Uncertain significance (2). Last evaluated 2026-02-16.

Conditions:
Tumor predisposition syndrome 3 (TPDS3). Also called: Melanoma, cutaneous malignant, susceptibility to, 10; Glioma susceptibility 9; LONG TELOMERE SYNDROME, POT1-RELATED; POT1 Tumor Predisposition. Identifiers: Orphanet 618, MedGen C4014476, MONDO:0014368, OMIM 615848.
Hereditary cancer-predisposing syndrome. Also called: Tumor predisposition; Neoplastic Syndromes, Hereditary; Hereditary Cancer Syndrome; Hereditary neoplastic syndrome. Identifiers: Orphanet 140162, MedGen C0027672, MeSH D009386, MONDO:0015356.

Allele frequency attached by ClinVar (database versions not stated): gnomAD 0.00001.
gnomAD v4.1: 1 of 1,612,890 alleles (0.000062%); highest among the groups gnomAD compares: Admixed American, 0.0017%; no homozygotes.

Submissions (2):

Ambry Genetics
Classification: Uncertain significance for Hereditary cancer-predisposing syndrome. Last evaluated: 2026-02-16. Review status: criteria provided, single submitter. Criteria: Ambry Variant Classification Scheme 2023. Collection method: clinical testing. Allele origin: germline.
Comment: The p.K412T variant (also known as c.1235A>C), located in coding exon 10 of the POT1 gene, results from an A to C substitution at nucleotide position 1235. The lysine at codon 412 is replaced by threonine, an amino acid with similar properties. This amino acid position is conserved. In addition, this alteration is predicted to be tolerated by in silico analysis. Based on the available evidence, the clinical significance of this variant remains unclear.

Labcorp Genetics (formerly Invitae), Labcorp
Classification: Uncertain significance for Tumor predisposition syndrome 3. Last evaluated: 2023-10-28. Review status: criteria provided, single submitter. Criteria: Invitae Variant Classification Sherloc (09022015). Collection method: clinical testing. Allele origin: germline.
Comment: This sequence change replaces lysine, which is basic and polar, with threonine, which is neutral and polar, at codon 412 of the POT1 protein (p.Lys412Thr). This variant is present in population databases (no rsID available, gnomAD 0.1%). This variant has not been reported in the literature in individuals affected with POT1-related conditions. ClinVar contains an entry for this variant (Variation ID: 1390314). Advanced modeling of protein sequence and biophysical properties (such as structural, functional, and spatial information, amino acid conservation, physicochemical variation, residue mobility, and thermodynamic stability) performed at Invitae indicates that this missense variant is not expected to disrupt POT1 protein function with a negative predictive value of 80%. In summary, the available evidence is currently insufficient to determine the role of this variant in disease. Therefore, it has been classified as a Variant of Uncertain Significance.